The following is an entry in ClinVar:

ClinVar aggregate classification (germline): Uncertain significance (1 of 4 stars; one submission).

Conditions:
Leber congenital amaurosis 12 (LCA12). Identifiers: Orphanet 65, MedGen C1857743, MONDO:0012525, OMIM 610612.

Allele frequency attached by ClinVar (database versions not stated): ExAC 0.00001; gnomAD exomes 0.00001 and 0.00002; TOPMed 0.00002; gnomAD 0.00003 and 0.00004.
gnomAD v4.1: 19 of 1,614,124 alleles (0.0012%); highest among the groups gnomAD compares: Middle Eastern, 0.016%; no homozygotes.

Submission:

Labcorp Genetics (formerly Invitae), Labcorp
Classification: Uncertain significance for Leber congenital amaurosis 12. Last evaluated: 2022-08-13. Review status: criteria provided, single submitter. Criteria: Invitae Variant Classification Sherloc (09022015). Collection method: clinical testing. Allele origin: germline.
Comment: This sequence change replaces arginine, which is basic and polar, with tryptophan, which is neutral and slightly polar, at codon 78 of the RD3 protein (p.Arg78Trp). This variant is present in population databases (rs755218137, gnomAD 0.003%). This variant has not been reported in the literature in individuals affected with RD3-related conditions. ClinVar contains an entry for this variant (Variation ID: 1045353). Algorithms developed to predict the effect of missense changes on protein structure and function are either unavailable or do not agree on the potential impact of this missense change (SIFT: "Deleterious"; PolyPhen-2: "Benign"; Align-GVGD: "Class C65"). In summary, the available evidence is currently insufficient to determine the role of this variant in disease. Therefore, it has been classified as a Variant of Uncertain Significance.

NM_001164688.2(RD3):c.232C>T (p.Arg78Trp)

Gene: RD3 (RD3 regulator of GUCY2D; minus strand). Cytogenetic location: 1q32.3.
Variant type: single nucleotide variant.
Coding change: c.232C>T on transcript NM_001164688.2 (MANE Select); coding-DNA position 232, C replaced by T.
Protein change: p.Arg78Trp; replaces arginine 78 with tryptophan.
Molecular consequence: missense variant.
Genome position (GRCh38, 1-based): chr1:211,481,184, G>A on the plus strand (C>T on the coding strand, the complement: RD3 is on the minus strand). VCF-style: chr1-211481184-G-A. GRCh37 (hg19) VCF-style: chr1-211654526-G-A.
Other names: c.232C>T, p.Arg78Trp (NM_183059.3); short protein forms R78W.
Identifiers: ClinVar variation 1045353 (VCV001045353.6), dbSNP rs755218137, ClinGen allele CA1381120.